The following is an entry in ClinVar:

ClinVar aggregate classification (germline): Likely benign (1 of 4 stars; one submission).

Conditions:
Intellectual developmental disorder, X-linked 21. Also called: MENTAL RETARDATION, X-LINKED 34; Mental retardation, X-linked 21/34; Intellectual disability, X-linked 21. Identifiers: Orphanet 777, MedGen C5551510, MONDO:0010256, OMIM 300143.

gnomAD v4.1: 3 of 1,210,394 alleles (0.00025%); highest among the groups gnomAD compares: East Asian, 0.003%; no homozygotes.

Submission:

Institute of Human Genetics, FAU Erlangen, Friedrich-Alexander-Universität Erlangen-Nürnberg
Classification: Likely benign for Intellectual developmental disorder, X-linked 21. Last evaluated: 2024-10-07. Review status: criteria provided, single submitter. Criteria: Hauer et al. (Genet Med. 2018). Collection method: clinical testing. Allele origin: germline. Inheritance: X-linked recessive inheritance. Affected: yes. Observed: 2 variant alleles.
Comment: This variant has been identified by standard clinical testing. Selected ACMG criteria: Likely benign (I):BS2;BP1;PM2

NM_014271.4(IL1RAPL1):c.1781C>T (p.Ala594Val)

Gene: IL1RAPL1 (interleukin 1 receptor accessory protein like 1; plus strand). Cytogenetic location: Xp21.2.
Variant type: single nucleotide variant.
Coding change: c.1781C>T on transcript NM_014271.4 (MANE Select); coding-DNA position 1781, C replaced by T.
Protein change: p.Ala594Val; replaces alanine 594 with valine.
Molecular consequence: missense variant.
Genome position (GRCh38, 1-based): chrX:29,955,510, C>T. VCF-style: chrX-29955510-C-T. GRCh37 (hg19) VCF-style: chrX-29973627-C-T.
Other names: short protein forms A594V.
Identifiers: ClinVar variation 3358913 (VCV003358913.1).
Genomic context (GRCh38, chrX:29,955,510, plus strand): 5'-ATGTCAGTGAGCAAGGGCCTTTTGGGGAGCTGCAGACTGTCTCGGCCATTTCCATGGCCG[C>T]GGCCACCTCCACAGCTCTAGCCACTGCCCATCCAGATCTCCGTTCTACCTTTCACAACAC-3'
Protein context (NP_055086.1, residues 584-604): LQTVSAISMA[Ala594Val]ATSTALATAH